The following is an entry in ClinVar:

ClinVar aggregate classification (germline): Uncertain significance (1 of 4 stars; one submission).

Conditions:
Hereditary cancer-predisposing syndrome. Also called: Neoplastic Syndromes, Hereditary; Tumor predisposition; Hereditary Cancer Syndrome; Hereditary neoplastic syndrome. Identifiers: Orphanet 140162, MedGen C0027672, MeSH D009386, MONDO:0015356.

Allele frequency attached by ClinVar (database versions not stated): gnomAD 0.00001.
gnomAD v4.1: 1 of 1,613,568 alleles (0.000062%); highest among the groups gnomAD compares: Non-Finnish European, 0.000085%; no homozygotes.

Submission:

Ambry Genetics
Classification: Uncertain significance for Hereditary cancer-predisposing syndrome. Last evaluated: 2022-09-26. Review status: criteria provided, single submitter. Criteria: Ambry Variant Classification Scheme 2023. Collection method: clinical testing. Allele origin: germline.
Comment: The p.E1091D variant (also known as c.3273G>C), located in coding exon 26 of the POLE gene, results from a G to C substitution at nucleotide position 3273. The glutamic acid at codon 1091 is replaced by aspartic acid, an amino acid with highly similar properties. This amino acid position is conserved. In addition, the in silico prediction for this alteration is inconclusive. Since supporting evidence is limited at this time, the clinical significance of this alteration remains unclear.

NM_006231.4(POLE):c.3273G>C (p.Glu1091Asp)

Gene: POLE (DNA polymerase epsilon, catalytic subunit; minus strand). Cytogenetic location: 12q24.33.
Variant type: single nucleotide variant.
Coding change: c.3273G>C on transcript NM_006231.4 (MANE Select); coding-DNA position 3273, G replaced by C.
Protein change: p.Glu1091Asp; replaces glutamic acid 1091 with aspartic acid.
Molecular consequence: missense variant.
Genome position (GRCh38, 1-based): chr12:132,659,297, C>G on the plus strand (G>C on the coding strand, the complement: POLE is on the minus strand). VCF-style: chr12-132659297-C-G. GRCh37 (hg19) VCF-style: chr12-133235883-C-G.
Other names: short protein forms E1091D.
Identifiers: ClinVar variation 1729645 (VCV001729645.2), dbSNP rs2042626484, ClinGen allele CA387390183.